The following is an entry in ClinVar:

ClinVar aggregate classification (germline): Likely benign. Review status: criteria provided, single submitter (1 of 4 stars). 2 submissions from 2 submitters: Likely benign (1). 1 of the submissions does not count toward it. Last evaluated 2023-05-01.

Conditions:
ANKS6-related disorder. Also called: ANKS6-related condition.
Nephronophthisis 16 (NPHP16). Identifiers: Orphanet 655, MedGen C3809320, MONDO:0014158, OMIM 615382.

Allele frequency attached by ClinVar (database versions not stated): gnomAD exomes 0.00001; gnomAD 0.00002; TOPMed 0.00002.
gnomAD v4.1: 6 of 1,613,880 alleles (0.00037%); highest among the groups gnomAD compares: Non-Finnish European, 0.00051%; no homozygotes.

Submissions (2):

Labcorp Genetics (formerly Invitae), Labcorp
Classification: Likely benign for Nephronophthisis 16. Last evaluated: 2023-05-01. Review status: criteria provided, single submitter. Criteria: Invitae Variant Classification Sherloc (09022015). Collection method: clinical testing. Allele origin: germline.

PreventionGenetics, part of Exact Sciences
Classification: Likely benign for ANKS6-related condition. Last evaluated: 2021-03-31. Review status: no assertion criteria provided. Collection method: clinical testing. Allele origin: germline. Not counted in ClinVar's aggregate classification.
Comment: This variant is classified as likely benign based on ACMG/AMP sequence variant interpretation guidelines (Richards et al. 2015 PMID: 25741868, with internal and published modifications).

NM_173551.5(ANKS6):c.1980C>T (p.Ser660=)

Gene: ANKS6 (ankyrin repeat and sterile alpha motif domain containing 6; minus strand). Cytogenetic location: 9q22.33.
Variant type: single nucleotide variant.
Coding change: c.1980C>T on transcript NM_173551.5 (MANE Select); coding-DNA position 1980, C replaced by T.
Protein change: p.Ser660=; no amino-acid change (serine 660 retained).
Molecular consequence: synonymous variant.
Genome position (GRCh38, 1-based): chr9:98,768,243, G>A on the plus strand (C>T on the coding strand, the complement: ANKS6 is on the minus strand). VCF-style: chr9-98768243-G-A. GRCh37 (hg19) VCF-style: chr9-101530525-G-A.
Other names: c.1980C>T (NM_173551.4).
Identifiers: ClinVar variation 2913258 (VCV002913258.5), dbSNP rs199554299, ClinGen allele CA196805281.
Genomic context (GRCh38, chr9:98,768,243, plus strand): 5'-CTCCAATAATCCGGCTGCTTTTTTCCTCTGGGCAGCGATTTGGGACAAGACATTGTCTAT[G>A]CTGCCACCTGAGGAAACACAAAATGAGTGAACACCATGGGCACAGAGGGCTTACTCCAAC-3'
Protein context (NP_775822.3, residues 650-670): GGELLNRSGG[Ser660=]IDNVLSQIAA